The following is an entry in ClinVar:

NM_001164508.2(NEB):c.11324G>A (p.Gly3775Asp)

Gene: NEB (nebulin; minus strand). Cytogenetic location: 2q23.3.
Variant type: single nucleotide variant.
Coding change: c.11324G>A on transcript NM_001164508.2 (MANE Select); coding-DNA position 11324, G replaced by A.
Protein change: p.Gly3775Asp; replaces glycine 3775 with aspartic acid.
Molecular consequence: missense variant.
Genome position (GRCh38, 1-based): chr2:151,614,553, C>T on the plus strand (G>A on the coding strand, the complement: NEB is on the minus strand). VCF-style: chr2-151614553-C-T. GRCh37 (hg19) VCF-style: chr2-152471067-C-T.
Other names: c.11324G>A, p.Gly3775Asp (NM_001164507.2, NM_001271208.2); c.10595G>A, p.Gly3532Asp (NM_004543.5); short protein forms G3775D, G3532D.
Identifiers: ClinVar variation 1965665 (VCV001965665.2), dbSNP rs1312321861, ClinGen allele CA348782368.

ClinVar aggregate classification (germline): Uncertain significance (1 of 4 stars; one submission).

Conditions:
Nemaline myopathy 2 (NEM2). Also called: Nemaline myopathy 2, autosomal recessive. Identifiers: MedGen C1850569, MONDO:0009725, OMIM 256030.

Allele frequency attached by ClinVar (database versions not stated): gnomAD exomes below 0.00001.
gnomAD v4.1: 2 of 1,613,704 alleles (0.00012%); highest among the groups gnomAD compares: African/African-American, 0.0013%; no homozygotes.

Submission:

Labcorp Genetics (formerly Invitae), Labcorp
Classification: Uncertain significance for Nemaline myopathy 2. Last evaluated: 2021-08-17. Review status: criteria provided, single submitter. Criteria: Invitae Variant Classification Sherloc (09022015). Collection method: clinical testing. Allele origin: germline.
Comment: This sequence change replaces glycine with aspartic acid at codon 3775 of the NEB protein (p.Gly3775Asp). The glycine residue is moderately conserved and there is a moderate physicochemical difference between glycine and aspartic acid. This variant is not present in population databases (ExAC no frequency). This variant has not been reported in the literature in individuals affected with NEB-related conditions. Algorithms developed to predict the effect of missense changes on protein structure and function are either unavailable or do not agree on the potential impact of this missense change (SIFT: "Deleterious"; PolyPhen-2: "Not Available"; Align-GVGD: "Class C0"). In summary, the available evidence is currently insufficient to determine the role of this variant in disease. Therefore, it has been classified as a Variant of Uncertain Significance.